The following is an entry in ClinVar:

ClinVar aggregate classification (germline): Uncertain significance (1 of 4 stars; one submission).

Submission:

Mayo Clinic Laboratories, Mayo Clinic
Classification: Uncertain significance. Last evaluated: 2025-10-19. Review status: criteria provided, single submitter. Criteria: ACMG Guidelines, 2015. Collection method: clinical testing. Allele origin: germline. Observed: 1 variant allele.
Comment: PP3_moderate, PM2_supporting, PM5

NM_000143.4(FH):c.440C>A (p.Thr147Asn)

Gene: FH (fumarate hydratase; minus strand). Cytogenetic location: 1q43.
Variant type: single nucleotide variant.
Coding change: c.440C>A on transcript NM_000143.4 (MANE Select); coding-DNA position 440, C replaced by A.
Protein change: p.Thr147Asn; replaces threonine 147 with asparagine.
Molecular consequence: missense variant.
Genome position (GRCh38, 1-based): chr1:241,512,082, G>T on the plus strand (C>A on the coding strand, the complement: FH is on the minus strand). VCF-style: chr1-241512082-G-T. GRCh37 (hg19) VCF-style: chr1-241675382-G-T.
Other names: p.Thr147Asn; short protein forms T147N.
Identifiers: ClinVar variation 4542526 (VCV004542526.1).